The following is an entry in ClinVar:

ClinVar aggregate classification (germline): Uncertain significance. Review status: reviewed by expert panel (3 of 4 stars). 3 submissions from 3 submitters: Uncertain significance (1). 2 of the submissions do not count toward it. Last evaluated 2022-08-23.

Conditions:
Hereditary thrombocytopenia and hematologic cancer predisposition syndrome. Identifiers: Orphanet 71290, MedGen CN281654, MONDO:0011071.
Hereditary thrombocytopenia and hematological cancer predisposition syndrome associated with RUNX1. Also called: Familial Platelet Disorder with Propensity to Acute Myelogenous Leukemia; RUNX1 Familial Platelet Disorder with Associated Myeloid Malignancies; PLATELET DISORDER, ASPIRIN-LIKE; Familial thrombocytopenia with propensity to acute myelogenous leukemia. Identifiers: Orphanet 71290, MedGen C1832388, MeSH C563324, MONDO:0100083, OMIM 601399.

Submissions (3):

ClinGen Myeloid Malignancy Variant Curation Expert Panel
Classification: Uncertain significance for Hereditary thrombocytopenia and hematologic cancer predisposition syndrome. Last evaluated: 2022-08-23. Review status: reviewed by expert panel. Criteria: ClinGen MyeloMalig ACMG Specifications v2. Collection method: curation. Allele origin: germline. Inheritance: Autosomal dominant inheritance.
Comment: NM_001754.5(RUNX1):c.508+10C>G is an intronic variant. In summary, the clinical significance of this variant is uncertain. This variant is completely absent from all population databases with at least 20x coverage for RUNX1 (PM2_supporting). REVEL score not applicable and SpliceAI is <=0.20 (0.02) (BP4). In summary, the clinical significance of this variant is uncertain. ACMG/AMP criteria applied, as specified by the Myeloid Malignancy Variant Curation Expert Panel for RUNX1: BP4, PM2_supporting

Labcorp Genetics (formerly Invitae), Labcorp
Classification: Likely benign for Hereditary thrombocytopenia and hematological cancer predisposition syndrome associated with RUNX1. Last evaluated: 2022-03-02. Review status: criteria provided, single submitter. Criteria: Invitae Variant Classification Sherloc (09022015). Collection method: clinical testing. Allele origin: germline. Not counted in ClinVar's aggregate classification.

Blueprint Genetics
Classification: Likely benign. Last evaluated: 2019-12-18. Review status: criteria provided, single submitter. Criteria: ACMG Guidelines, 2015. Collection method: clinical testing. Allele origin: germline. Not counted in ClinVar's aggregate classification.

NM_001754.5(RUNX1):c.508+10C>G

Genes: RUNX1 (RUNX family transcription factor 1; minus strand), RUNX1-AS1 (RUNX1 antisense RNA 1; plus strand). Cytogenetic location: 21q22.12.
Variant type: single nucleotide variant.
Coding change: c.508+10C>G on transcript NM_001754.5 (MANE Select); 10 bases into the intron after coding-DNA position 508, C replaced by G.
Molecular consequence: intron variant.
Genome position (GRCh38, 1-based): chr21:34,880,547, G>C on the plus strand (C>G on the coding strand, the complement: RUNX1 is on the minus strand). VCF-style: chr21-34880547-G-C. GRCh37 (hg19) VCF-style: chr21-36252844-G-C.
Other names: c.427+10C>G (NM_001001890.3, NM_001122607.2).
Identifiers: ClinVar variation 1150822 (VCV001150822.11), dbSNP rs2146359949, ClinGen allele CA2499225877.